The following is an entry in ClinVar:

ClinVar aggregate classification (germline): Likely pathogenic (0 of 4 stars; one submission).

Conditions:
Seizures, benign familial neonatal, 2. Also called: Benign Neonatal Epilepsy 2; CONVULSIONS, BENIGN FAMILIAL NEONATAL, 2; Seizures, benign neonatal, 2; KCNQ3-Related Benign Familial Neonatal Epilepsy; KCNQ3-Related Self-Limited Familial Neonatal Epilepsy (SLFNE). Identifiers: Orphanet 1949, MedGen C1852581, MONDO:0007366, OMIM 121201.

Submission:

HUSP Clinical Genetics Laboratory, Hospital Universitario San Pedro De Logroño (HUSP)
Classification: Likely pathogenic for Seizures, benign familial neonatal, 2. Last evaluated: 2021-02-12. Review status: no assertion criteria provided. Collection method: clinical testing. Allele origin: unknown. Inheritance: Autosomal dominant inheritance. Affected: yes. Observed: 1 variant allele, 1 heterozygote.
Comment: The c.104_105delCG variant in the KCNQ3 gene (NM_004519.4) causes a premature stop codon. This alteration has not been reported previously in the literature. Pathological variants in the KCNQ3 gene are related to Seizure Neonatal benign familial type 2 (OMIM: 121201), with an autosomal dominant mode of inheritance and incomplete penetrance. Therefore, the clinical significance of the c.104_105delCG variant is likely pathogenic.

NM_004519.4(KCNQ3):c.104_105del (p.Ala35fs)

Gene: KCNQ3 (potassium voltage-gated channel subfamily Q member 3; minus strand). Cytogenetic location: 8q24.22.
Variant type: Deletion.
Coding change: c.104_105del on transcript NM_004519.4 (MANE Select); coding-DNA positions 104 to 105, 2 bases deleted (CG; older notation c.104_105delCG).
Protein change: p.Ala35fs; shifts the reading frame from alanine 35.
Molecular consequence: frameshift variant.
Genome position (GRCh38, 1-based): chr8:132,480,428-132,480,429, CG deleted on the plus strand (CG on the coding strand, the reverse complement: KCNQ3 is on the minus strand); deleting any 2 consecutive bases within chr8:132,480,428-132,480,430 gives the same sequence; the c. name uses the placement nearest the transcript's 3' end. VCF-style (leftmost placement, unchanged base first): chr8-132480427-CCG-C. GRCh37 (hg19) VCF-style: chr8-133492674-CCG-C.
Other names: c.104_105delCG (NM_004519.4); short protein forms A35fs.
Identifiers: ClinVar variation 998162 (VCV000998162.3), dbSNP rs1822523749, ClinGen allele CA1820786050.